The following is an entry in ClinVar:

ClinVar aggregate classification (germline): Uncertain significance. Review status: criteria provided, multiple submitters, no conflicts (2 of 4 stars). 2 submissions from 2 submitters: Uncertain significance (2). Last evaluated 2025-12-03.

Conditions:
DSG1-related disorder. Also called: DSG1-related condition.

Allele frequency attached by ClinVar (database versions not stated): ExAC 0.00002.
gnomAD v4.1: 22 of 1,614,102 alleles (0.0014%); highest among the groups gnomAD compares: East Asian, 0.04%; no homozygotes.

Submissions (2):

Labcorp Genetics (formerly Invitae), Labcorp
Classification: Uncertain significance. Last evaluated: 2025-12-03. Review status: criteria provided, single submitter. Criteria: Invitae Variant Classification Sherloc (09022015). Collection method: clinical testing. Allele origin: germline.
Comment: This sequence change replaces threonine, which is neutral and polar, with isoleucine, which is neutral and non-polar, at codon 750 of the DSG1 protein (p.Thr750Ile). This variant is present in population databases (rs774143873, gnomAD 0.05%). This variant has not been reported in the literature in individuals affected with DSG1-related conditions. ClinVar contains an entry for this variant (Variation ID: 1933585). Invitae Evidence Modeling of protein sequence and biophysical properties (such as structural, functional, and spatial information, amino acid conservation, physicochemical variation, residue mobility, and thermodynamic stability) indicates that this missense variant is not expected to disrupt DSG1 protein function with a negative predictive value of 80%. In summary, the available evidence is currently insufficient to determine the role of this variant in disease. Therefore, it has been classified as a Variant of Uncertain Significance.

PreventionGenetics, part of Exact Sciences
Classification: Uncertain significance for DSG1-related condition. Last evaluated: 2025-03-31. Review status: criteria provided, single submitter. Criteria: ACMG Guidelines, 2015. Collection method: clinical testing. Allele origin: germline.
Comment: The DSG1 c.2249C>T variant is predicted to result in the amino acid substitution p.Thr750Ile. To our knowledge, this variant has not been reported in the literature. This variant is reported in 0.043% of alleles in individuals of East Asian descent in gnomAD. At this time, the clinical significance of this variant is uncertain due to the absence of conclusive functional and genetic evidence.

NM_001942.4(DSG1):c.2249C>T (p.Thr750Ile)

Genes: DSG1 (desmoglein 1; plus strand), DSG1-AS1 (DSG1 antisense RNA 1; minus strand), LOC126862720 (MED14-independent group 3 enhancer GRCh37_chr18:28933613-28934812; plus strand). Cytogenetic location: 18q12.1.
Variant type: single nucleotide variant.
Coding change: c.2249C>T on transcript NM_001942.4 (MANE Select); coding-DNA position 2249, C replaced by T.
Protein change: p.Thr750Ile; replaces threonine 750 with isoleucine.
Molecular consequence: missense variant. On other transcripts: non-coding transcript variant (1).
Genome position (GRCh38, 1-based): chr18:31,354,445, C>T. VCF-style: chr18-31354445-C-T. GRCh37 (hg19) VCF-style: chr18-28934408-C-T.
Other names: c.2249C>T (NM_001942.3); short protein forms T750I.
Identifiers: ClinVar variation 1933585 (VCV001933585.6), dbSNP rs774143873, ClinGen allele CA8926324.